The following is an entry in ClinVar:

ClinVar aggregate classification (germline): Likely benign. Review status: criteria provided, multiple submitters, no conflicts (2 of 4 stars). 6 submissions from 6 submitters: Likely benign (6). Last evaluated 2025-12-19.

Conditions:
Familial hypercholesterolemia. Also called: Familial hypercholesterolaemia; Familial hypercholesterolemias. Identifiers: MedGen C0020445, MONDO:0005439.
Cardiovascular phenotype. Identifiers: MedGen CN230736.
Hypercholesterolemia, autosomal dominant, 3 (FHCL3). Also called: Familial hypercholesterolemia 3; Familial Hypercholesterolemia, Autosomal Dominant, 3; PCSK9-Related Familial Hypercholesterolemia, Autosomal Dominant. Identifiers: MedGen C1863551, MONDO:0011369, OMIM 603776.

Allele frequency attached by ClinVar (database versions not stated): gnomAD 0.00001; TOPMed 0.00002; ExAC 0.00011.
gnomAD v4.1: 60 of 1,567,256 alleles (0.0038%); highest among the groups gnomAD compares: Non-Finnish European, 0.0049%; no homozygotes.

Submissions (6):

Labcorp Genetics (formerly Invitae), Labcorp
Classification: Likely benign for Hypercholesterolemia, autosomal dominant, 3. Last evaluated: 2025-12-19. Review status: criteria provided, single submitter. Criteria: Invitae Variant Classification Sherloc (09022015). Collection method: clinical testing. Allele origin: germline.

Ambry Genetics
Classification: Likely benign for Cardiovascular phenotype. Last evaluated: 2023-12-29. Review status: criteria provided, single submitter. Criteria: Ambry Variant Classification Scheme 2023. Collection method: clinical testing. Allele origin: germline.

GENinCode PLC
Classification: Likely benign for Familial hypercholesterolemia. Last evaluated: 2023-12-21. Review status: criteria provided, single submitter. Criteria: ACMG Guidelines, 2015. Collection method: clinical testing. Allele origin: germline.
Comment: This is a synonymous (silent) variant that is not predicted by SpliceAI to impact splicing. In addition, it occurs at a nucleotide that is not conserved. Therefore this variant has been classified as Likely Benign (BP4, BP7).

All of Us Research Program, National Institutes of Health
Classification: Likely benign for Hypercholesterolemia, autosomal dominant, 3. Last evaluated: 2023-12-13. Review status: criteria provided, single submitter. Criteria: ACMG Guidelines, 2015. Collection method: clinical testing. Allele origin: germline. Inheritance: Autosomal dominant inheritance. Observed: 9 variant alleles, 9 heterozygotes.
Comment: This study involves interpretation of variants in research participants for the purpose of population health screening. Participant phenotype was not available at the time of variant classification. Additional details can be found in publication PMID: 35346344, PMCID: PMC8962531

Blueprint Genetics
Classification: Likely benign. Last evaluated: 2023-06-14. Review status: criteria provided, single submitter. Criteria: ACMG Guidelines, 2015. Collection method: clinical testing. Allele origin: germline.

Color Diagnostics, LLC DBA Color Health
Classification: Likely benign for Familial hypercholesterolemia. Last evaluated: 2018-07-16. Review status: criteria provided, single submitter. Criteria: ACMG Guidelines, 2015. Collection method: clinical testing. Allele origin: germline.

NM_174936.4(PCSK9):c.198C>T (p.Arg66=)

Gene: PCSK9 (proprotein convertase subtilisin/kexin type 9; plus strand). Cytogenetic location: 1p32.3.
Variant type: single nucleotide variant.
Coding change: c.198C>T on transcript NM_174936.4 (MANE Select); coding-DNA position 198, C replaced by T.
Protein change: p.Arg66=; no amino-acid change (arginine 66 retained).
Molecular consequence: synonymous variant.
Genome position (GRCh38, 1-based): chr1:55,040,035, C>T. VCF-style: chr1-55040035-C-T. GRCh37 (hg19) VCF-style: chr1-55505708-C-T.
Identifiers: ClinVar variation 727658 (VCV000727658.15), dbSNP rs760439904, ClinGen allele CA040149.
Genomic context (GRCh38, chr1:55,040,035, plus strand): 5'-TTCCGAGGAGGACGGCCTGGCCGAAGCACCCGAGCACGGAACCACAGCCACCTTCCACCG[C>T]TGCGCCAAGGTGCGGGTGTAGGGATGGGAGGCCGGGGCGAACCCGCAGCCGGGACGGTGC-3'
Protein context (NP_777596.2, residues 56-76): PEHGTTATFH[Arg66=]CAKDPWRLPG